The following is an entry in ClinVar:

NM_001358351.3(SEMA6D):c.1286C>T (p.Ser429Leu)

Genes: SEMA6D (semaphorin 6D; plus strand), LOC126862120 (BRD4-independent group 4 enhancer GRCh37_chr15:48056535-48057734; plus strand). Cytogenetic location: 15q21.1.
Variant type: single nucleotide variant.
Coding change: c.1286C>T on transcript NM_001358351.3 (MANE Select); coding-DNA position 1286, C replaced by T.
Protein change: p.Ser429Leu; replaces serine 429 with leucine.
Molecular consequence: missense variant.
Genome position (GRCh38, 1-based): chr15:47,764,915, C>T. VCF-style: chr15-47764915-C-T. GRCh37 (hg19) VCF-style: chr15-48057112-C-T.
Other names: c.1286C>T, p.Ser429Leu (NM_001198999.2, NM_001358352.2, NM_020858.2 and 5 more transcripts); short protein forms S429L.
Identifiers: ClinVar variation 451137 (VCV000451137.3), dbSNP rs1555428181, ClinGen allele CA392306438.
Genomic context (GRCh38, chr15:47,764,915, plus strand): 5'-TTCTGATCTGTGCCGCCTCCTCTTGTAGGTACAGACTGACGGCCATCTCAGTGGACCATT[C>T]AGCCGGACCCTACCAGAACTACACAGTCATCTTTGTTGGCTCTGAAGCTGGCATGGTACT-3'
Protein context (NP_001345280.1, residues 419-439): YRLTAISVDH[Ser429Leu]AGPYQNYTVI

ClinVar aggregate classification (germline): Uncertain significance (1 of 4 stars; one submission).

Submission:

GeneDx
Classification: Uncertain significance. Last evaluated: 2019-09-30. Review status: criteria provided, single submitter. Criteria: GeneDx Variant Classification Process June 2021. Collection method: clinical testing. Allele origin: germline. Affected: yes.
Comment: Not observed in large population cohorts (Lek et al., 2016); In silico analysis, which includes protein predictors and evolutionary conservation, supports that this variant does not alter protein structure/function; Has not been previously published as pathogenic or benign to our knowledge; Variants in candidate genes are classified as variants of uncertain significance in accordance with ACMG guidelines (Richards et al., 2015)